The following is an entry in ClinVar:

ClinVar aggregate classification (germline): Uncertain significance. Review status: criteria provided, multiple submitters, no conflicts (2 of 4 stars). 2 submissions from 2 submitters: Uncertain significance (2). Last evaluated 2024-09-25.

Conditions:
Aortic aneurysm, familial thoracic 7 (AAT7). Also called: AORTIC DISSECTION, FAMILIAL, WITH OR WITHOUT AORTIC ANEURYSM. Identifiers: MedGen C3151077, MONDO:0013418, OMIM 613780.

gnomAD v4.1: 3 of 1,607,596 alleles (0.00019%); highest among the groups gnomAD compares: Non-Finnish European, 0.00025%; no homozygotes.

Submissions (2):

Blueprint Genetics
Classification: Uncertain significance. Last evaluated: 2024-09-25. Review status: criteria provided, single submitter. Criteria: ACMG Guidelines, 2015. Collection method: clinical testing. Allele origin: germline.

Labcorp Genetics (formerly Invitae), Labcorp
Classification: Uncertain significance for Aortic aneurysm, familial thoracic 7. Last evaluated: 2018-04-24. Review status: criteria provided, single submitter. Criteria: Invitae Variant Classification Sherloc (09022015). Collection method: clinical testing. Allele origin: germline.
Comment: In summary, the available evidence is currently insufficient to determine the role of this variant in disease. Therefore, it has been classified as a Variant of Uncertain Significance. Algorithms developed to predict the effect of missense changes on protein structure and function (SIFT, PolyPhen-2, Align-GVGD) all suggest that this variant is likely to be disruptive, but these predictions have not been confirmed by published functional studies and their clinical significance is uncertain. This variant has not been reported in the literature in individuals with MYLK-related disease. This variant is not present in population databases (ExAC no frequency). This sequence change replaces leucine with arginine at codon 831 of the MYLK protein (p.Leu831Arg). The leucine residue is highly conserved and there is a moderate physicochemical difference between leucine and arginine.

NM_053025.4(MYLK):c.2492T>G (p.Leu831Arg)

Gene: MYLK (myosin light chain kinase; minus strand). Cytogenetic location: 3q21.1.
Variant type: single nucleotide variant.
Coding change: c.2492T>G on transcript NM_053025.4 (MANE Select); coding-DNA position 2492, T replaced by G.
Protein change: p.Leu831Arg; replaces leucine 831 with arginine.
Molecular consequence: missense variant.
Genome position (GRCh38, 1-based): chr3:123,700,976, A>C on the plus strand (T>G on the coding strand, the complement: MYLK is on the minus strand). VCF-style: chr3-123700976-A-C. GRCh37 (hg19) VCF-style: chr3-123419823-A-C.
Other names: c.1964T>G, p.Leu655Arg (NM_001321309.2); c.2285T>G, p.Leu762Arg (NM_053026.4, NM_053028.4); c.2492T>G, p.Leu831Arg (NM_053027.4); short protein forms L831R, L655R, L762R.
Identifiers: ClinVar variation 572246 (VCV000572246.9), dbSNP rs1560097299, ClinGen allele CA354232544.